The following is an entry in ClinVar:

NM_001845.6(COL4A1):c.1640G>C (p.Gly547Ala)

Gene: COL4A1 (collagen type IV alpha 1 chain; minus strand). Cytogenetic location: 13q34.
Variant type: single nucleotide variant.
Coding change: c.1640G>C on transcript NM_001845.6 (MANE Select); coding-DNA position 1640, G replaced by C.
Protein change: p.Gly547Ala; replaces glycine 547 with alanine.
Molecular consequence: missense variant.
Genome position (GRCh38, 1-based): chr13:110,187,226, C>G on the plus strand (G>C on the coding strand, the complement: COL4A1 is on the minus strand). VCF-style: chr13-110187226-C-G. GRCh37 (hg19) VCF-style: chr13-110839573-C-G.
Other names: short protein forms G547A.
Identifiers: ClinVar variation 3730928 (VCV003730928.2).

ClinVar aggregate classification (germline): Uncertain significance (1 of 4 stars; one submission).

gnomAD v4.1: 2 of 1,613,822 alleles (0.00012%); highest among the groups gnomAD compares: Admixed American, 0.0017%; no homozygotes.

Submission:

GeneDx
Classification: Uncertain significance. Last evaluated: 2025-12-30. Review status: criteria provided, single submitter. Criteria: GeneDx Variant Classification Process June 2021. Collection method: clinical testing. Allele origin: germline.
Comment: Reported de novo in an individual with autism from a large cohort study, however, this individual also harbored additional de novo variants in other genes (PMID: 35982159, 35982160); Affects a glycine residue in a Gly-X-Y motif in the triple helical region of the COL4A1 gene, where the majority of pathogenic missense variants occur, and is predicted to disrupt normal protein folding and function (PMID: 22522439, 23225343); In silico analysis supports that this missense variant has a deleterious effect on protein structure/function; This variant is associated with the following publications: (PMID: 22522439, 23225343, 35982159, 35982160)